The following is an entry in ClinVar:

ClinVar aggregate classification (germline): Benign. Review status: criteria provided, single submitter (1 of 4 stars). 2 submissions from 2 submitters: Benign (1). 1 of the submissions does not count toward it. Last evaluated 2026-01-24.

Conditions:
TRAIP-related disorder. Also called: TRAIP-related condition.

Allele frequency attached by ClinVar (database versions not stated): ExAC 0.00072; gnomAD exomes 0.00072 and 0.00022; 1000 Genomes Project 0.00160; 1000 Genomes Project 30x 0.00172; gnomAD 0.00023 and 0.00040; TOPMed 0.00045.
gnomAD v4.1: 404 of 1,614,072 alleles (0.025%); highest among the groups gnomAD compares: East Asian, 0.72%; 3 homozygotes.

Submissions (2):

Labcorp Genetics (formerly Invitae), Labcorp
Classification: Benign. Last evaluated: 2026-01-24. Review status: criteria provided, single submitter. Criteria: Invitae Variant Classification Sherloc (09022015). Collection method: clinical testing. Allele origin: germline.

PreventionGenetics, part of Exact Sciences
Classification: Benign for TRAIP-related condition. Last evaluated: 2019-06-05. Review status: no assertion criteria provided. Collection method: clinical testing. Allele origin: germline. Not counted in ClinVar's aggregate classification.
Comment: This variant is classified as benign based on ACMG/AMP sequence variant interpretation guidelines (Richards et al. 2015 PMID: 25741868, with internal and published modifications).

NM_005879.3(TRAIP):c.1269G>C (p.Arg423=)

Gene: TRAIP (TRAF interacting protein; minus strand). Cytogenetic location: 3p21.31.
Variant type: single nucleotide variant.
Coding change: c.1269G>C on transcript NM_005879.3 (MANE Select); coding-DNA position 1269, G replaced by C.
Protein change: p.Arg423=; no amino-acid change (arginine 423 retained).
Molecular consequence: synonymous variant.
Genome position (GRCh38, 1-based): chr3:49,829,476, C>G on the plus strand (G>C on the coding strand, the complement: TRAIP is on the minus strand). VCF-style: chr3-49829476-C-G. GRCh37 (hg19) VCF-style: chr3-49866909-C-G.
Identifiers: ClinVar variation 789134 (VCV000789134.11), dbSNP rs143716103, ClinGen allele CA2407547.